The following is an entry in ClinVar:

NM_001365480.1(CCDC88A):c.3556T>G (p.Ser1186Ala)

Gene: CCDC88A (coiled-coil and HOOK domain protein 88A; minus strand). Cytogenetic location: 2p16.1.
Variant type: single nucleotide variant.
Coding change: c.3556T>G on transcript NM_001365480.1 (MANE Select); coding-DNA position 3556, T replaced by G.
Protein change: p.Ser1186Ala; replaces serine 1186 with alanine.
Molecular consequence: missense variant.
Genome position (GRCh38, 1-based): chr2:55,317,610, A>C on the plus strand (T>G on the coding strand, the complement: CCDC88A is on the minus strand). VCF-style: chr2-55317610-A-C. GRCh37 (hg19) VCF-style: chr2-55544746-A-C.
Other names: c.3553T>G, p.Ser1185Ala (NM_001135597.2, NM_001254943.2); c.3556T>G, p.Ser1186Ala (NM_018084.5); short protein forms S1186A, S1185A.
Identifiers: ClinVar variation 1471504 (VCV001471504.6), dbSNP rs757791407, ClinGen allele CA1665746.

ClinVar aggregate classification (germline): Uncertain significance (1 of 4 stars; one submission).

Allele frequency attached by ClinVar (database versions not stated): gnomAD exomes below 0.00001 and 0.00001; TOPMed below 0.00001; ExAC 0.00001.
gnomAD v4.1: 5 of 1,592,856 alleles (0.00031%); highest among the groups gnomAD compares: East Asian, 0.0022%; no homozygotes.

Submission:

Labcorp Genetics (formerly Invitae), Labcorp
Classification: Uncertain significance. Last evaluated: 2022-07-05. Review status: criteria provided, single submitter. Criteria: Invitae Variant Classification Sherloc (09022015). Collection method: clinical testing. Allele origin: germline.
Comment: In summary, the available evidence is currently insufficient to determine the role of this variant in disease. Therefore, it has been classified as a Variant of Uncertain Significance. Algorithms developed to predict the effect of missense changes on protein structure and function (SIFT, PolyPhen-2, Align-GVGD) all suggest that this variant is likely to be tolerated. ClinVar contains an entry for this variant (Variation ID: 1471504). This variant has not been reported in the literature in individuals affected with CCDC88A-related conditions. This variant is present in population databases (rs757791407, gnomAD 0.01%). This sequence change replaces serine, which is neutral and polar, with alanine, which is neutral and non-polar, at codon 1185 of the CCDC88A protein (p.Ser1185Ala).